The following is an entry in ClinVar:

ClinVar aggregate classification (germline): Uncertain significance (1 of 4 stars; one submission).

Conditions:
Neurofibromatosis, type 1 (NF1). Also called: VON RECKLINGHAUSEN DISEASE; Neurofibromatosis, type I; NEUROFIBROMATOSIS, TYPE I, SOMATIC; Peripheral type neurofibromatosis. Identifiers: Orphanet 636, MedGen C0027831, MONDO:0018975, OMIM 162200. Disease mechanism: loss of function.

Submission:

Labcorp Genetics (formerly Invitae), Labcorp
Classification: Uncertain significance for Neurofibromatosis, type 1. Last evaluated: 2018-10-30. Review status: criteria provided, single submitter. Criteria: Invitae Variant Classification Sherloc (09022015). Collection method: clinical testing. Allele origin: germline.
Comment: In summary, the available evidence is currently insufficient to determine the role of this variant in disease. Therefore, it has been classified as a Variant of Uncertain Significance. Nucleotide substitutions within the consensus splice site are a relatively common cause of aberrant splicing (PMID: 17576681, 9536098). Algorithms developed to predict the effect of sequence changes on RNA splicing suggest that this variant is not likely to affect RNA splicing, but this prediction has not been confirmed by published transcriptional studies. This variant has not been reported in the literature in individuals with NF1-related disease. This variant is not present in population databases (ExAC no frequency). This sequence change falls in intron 7 of the NF1 gene. It does not directly change the encoded amino acid sequence of the NF1 protein, but it affects a nucleotide within the consensus splice site of the intron.

Literature cited by the submitters: PubMed 17576681; PubMed 9536098.

NM_001042492.3(NF1):c.730+6G>C

Gene: NF1 (neurofibromin 1; plus strand). Cytogenetic location: 17q11.2.
Variant type: single nucleotide variant.
Coding change: c.730+6G>C on transcript NM_001042492.3 (MANE Select); 6 bases into the intron after coding-DNA position 730, G replaced by C.
Molecular consequence: intron variant.
Genome position (GRCh38, 1-based): chr17:31,181,791, G>C. VCF-style: chr17-31181791-G-C. GRCh37 (hg19) VCF-style: chr17-29508809-G-C.
Other names: c.730+6G>C (NM_000267.4, NM_001128147.3).
Identifiers: ClinVar variation 651228 (VCV000651228.5), dbSNP rs1444298546, ClinGen allele CA915949763.